The following is an entry in ClinVar:

NM_000218.3(KCNQ1):c.1768G>C (p.Ala590Pro)

Gene: KCNQ1 (potassium voltage-gated channel subfamily Q member 1; plus strand). Cytogenetic location: 11p15.5.
Variant type: single nucleotide variant.
Coding change: c.1768G>C on transcript NM_000218.3 (MANE Select); coding-DNA position 1768, G replaced by C.
Protein change: p.Ala590Pro; replaces alanine 590 with proline.
Molecular consequence: missense variant.
Genome position (GRCh38, 1-based): chr11:2,778,011, G>C. VCF-style: chr11-2778011-G-C. GRCh37 (hg19) VCF-style: chr11-2799241-G-C.
Other names: c.1672G>C, p.Ala558Pro (NM_001406836.1); c.1498G>C, p.Ala500Pro (NM_001406837.1); c.1228G>C, p.Ala410Pro (NM_001406838.1); c.280G>C, p.Ala94Pro (NM_001406839.1); c.1387G>C, p.Ala463Pro (NM_181798.2); short protein forms A463P, A590P, A500P, A94P, A410P, A558P.
Identifiers: ClinVar variation 519284 (VCV000519284.7), dbSNP rs199472813, ClinGen allele CA379139729.
Genomic context (GRCh38, chr11:2,778,011, plus strand): 5'-GATTTGGGTGTTTTATCCCCCATAGAAAAGAGCAAGGATCGCGGCAGCAACACGATCGGC[G>C]CCCGCCTGAACCGAGTAGAAGACAAGGTAGGCTCACGCGCCGGCCTGCGGTGGTTCTGGT-3'
Protein context (NP_000209.2, residues 580-600): SKDRGSNTIG[Ala590Pro]RLNRVEDKVT

ClinVar aggregate classification (germline): Uncertain significance (1 of 4 stars; one submission).

Conditions:
Cardiovascular phenotype. Identifiers: MedGen CN230736.

Submission:

Ambry Genetics
Classification: Uncertain significance for Cardiovascular phenotype. Last evaluated: 2016-07-06. Review status: criteria provided, single submitter. Criteria: Ambry Variant Classification Scheme 2023. Collection method: clinical testing. Allele origin: germline.
Comment: The p.A590P variant (also known as c.1768G>C), located in coding exon 15 of the KCNQ1 gene, results from a G to C substitution at nucleotide position 1768. The alanine at codon 590 is replaced by proline, an amino acid with some similar properties. This variant has previously not been reported in the literature; however, an alteration involving the same amino acid position (p.A590T c.1768G>A) has been described in long QT syndrome cohorts (Lupoglazoff JM et al. J Am Coll Cardiol. 2004;43(5):826-30). This variant was not reported in population based cohorts in the following databases: Database of Single Nucleotide Polymorphisms (dbSNP), NHLBI Exome Sequencing Project (ESP), and 1000 Genomes Project. In the ESP, this variant was not observed in 6501 samples (13002 alleles) with coverage at this position. This amino acid position is well conserved in available vertebrate species. In addition, this alteration is predicted to be deleterious by in silico analysis. Since supporting evidence is limited at this time, the clinical significance of this alteration remains unclear.